The following is an entry in ClinVar:

ClinVar aggregate classification (germline): Likely pathogenic (1 of 4 stars; one submission).

Conditions:
GLUT1 deficiency syndrome 1, autosomal recessive. Identifiers: MedGen C3149117.

Submission:

Labcorp Genetics (formerly Invitae), Labcorp
Classification: Likely pathogenic for GLUT1 deficiency syndrome 1, autosomal recessive. Last evaluated: 2021-10-27. Review status: criteria provided, single submitter. Criteria: Invitae Variant Classification Sherloc (09022015). Collection method: clinical testing. Allele origin: germline.
Comment: This sequence change replaces glycine, a(n) neutral and non-polar amino acid, with cysteine, a(n) neutral and slightly polar amino acid, at codon 134 of the SLC2A1 protein (p.Gly134Cys). This variant is not present in population databases (gnomAD no frequency). This variant has not been reported in the literature in individuals affected with SLC2A1-related conditions. Advanced modeling of protein sequence and biophysical properties (such as structural, functional, and spatial information, amino acid conservation, physicochemical variation, residue mobility, and thermodynamic stability) performed at Invitae indicates that this missense variant is expected to disrupt SLC2A1 protein function. Studies have shown that this missense change alters SLC2A1 gene expression (PMID: 16172126). This variant disrupts the p.Gly134 amino acid residue in SLC2A1. Other variant(s) that disrupt this residue have been determined to be pathogenic (Invitae). This suggests that this residue is clinically significant, and that variants that disrupt this residue are likely to be disease-causing. In summary, the currently available evidence indicates that the variant is pathogenic, but additional data are needed to prove that conclusively. Therefore, this variant has been classified as Likely Pathogenic.

Literature cited by the submitters: PubMed 16172126.

NM_006516.4(SLC2A1):c.400G>T (p.Gly134Cys)

Gene: SLC2A1 (solute carrier family 2 member 1; minus strand). Cytogenetic location: 1p34.2.
Variant type: single nucleotide variant.
Coding change: c.400G>T on transcript NM_006516.4 (MANE Select); coding-DNA position 400, G replaced by T.
Protein change: p.Gly134Cys; replaces glycine 134 with cysteine.
Molecular consequence: missense variant.
Genome position (GRCh38, 1-based): chr1:42,930,742, C>A on the plus strand (G>T on the coding strand, the complement: SLC2A1 is on the minus strand). VCF-style: chr1-42930742-C-A. GRCh37 (hg19) VCF-style: chr1-43396413-C-A.
Other names: short protein forms G134C.
Identifiers: ClinVar variation 1519734 (VCV001519734.6), dbSNP rs1057518953, ClinGen allele CA339960859.